The following is an entry in ClinVar:

ClinVar aggregate classification (germline): Benign/Likely benign. Review status: criteria provided, multiple submitters, no conflicts (2 of 4 stars). 18 submissions from 18 submitters: Benign (8); Likely benign (6). 4 of the submissions do not count toward it. Last evaluated 2026-09-01.

Conditions:
Aortic aneurysm, familial thoracic 7 (AAT7). Also called: AORTIC DISSECTION, FAMILIAL, WITH OR WITHOUT AORTIC ANEURYSM. Identifiers: MedGen C3151077, MONDO:0013418, OMIM 613780.
Megacystis-microcolon-intestinal hypoperistalsis syndrome 1. Identifiers: MedGen C5542316, MONDO:0100354, OMIM 249210.
Familial thoracic aortic aneurysm and aortic dissection (TAAD). Also called: Thoracic aortic aneurysms and dissections. Identifiers: Orphanet 91387, MedGen C4707243, MONDO:0019625.

Allele frequency attached by ClinVar (database versions not stated): 1000 Genomes Project 0.00339; 1000 Genomes Project 30x 0.00344; ExAC 0.00442; gnomAD exomes 0.00448 and 0.00740; TOPMed 0.00487; gnomAD 0.00490 and 0.00499; ESP Exome Variant Server 0.00584.
gnomAD v4.1: 11,499 of 1,613,974 alleles (0.71%); highest among the groups gnomAD compares: Non-Finnish European, 0.89%; 52 homozygotes.

Submissions (18):

CeGaT Center for Human Genetics Tuebingen
Classification: Likely benign. Last evaluated: 2026-09-01. Review status: criteria provided, single submitter. Criteria: CeGaT Center For Human Genetics Tuebingen Variant Classification Criteria Version 2. Collection method: clinical testing. Allele origin: germline. Affected: yes. Observed: 30 variant alleles.
Comment: MYLK: BP4, BP7, BS2

Labcorp Genetics (formerly Invitae), Labcorp
Classification: Benign for Aortic aneurysm, familial thoracic 7. Last evaluated: 2026-02-04. Review status: criteria provided, single submitter. Criteria: Invitae Variant Classification Sherloc (09022015). Collection method: clinical testing. Allele origin: germline.

Mayo Clinic Laboratories, Mayo Clinic
Classification: Likely benign. Last evaluated: 2025-07-15. Review status: criteria provided, single submitter. Criteria: ACMG Guidelines, 2015. Collection method: clinical testing. Allele origin: germline. Observed: 16 variant alleles.
Comment: BS1, BP4, BP7

ARUP Laboratories, Molecular Genetics and Genomics, ARUP Laboratories
Classification: Benign. Last evaluated: 2025-06-23. Review status: criteria provided, single submitter. Criteria: ARUP Molecular Germline Variant Investigation Process 2024. Collection method: clinical testing. Allele origin: germline.

Molecular Diagnostic Laboratory for Inherited Cardiovascular Disease, Montreal Heart Institute
Classification: Benign. Last evaluated: 2025-04-09. Review status: criteria provided, single submitter. Criteria: ACMG Guidelines, 2015. Collection method: clinical testing. Allele origin: germline. Affected: no.

Fulgent Genetics
Classification: Likely benign for Megacystis-microcolon-intestinal hypoperistalsis syndrome 1; Aortic aneurysm, familial thoracic 7. Last evaluated: 2021-07-26. Review status: criteria provided, single submitter. Criteria: ACMG Guidelines, 2015. Collection method: clinical testing. Allele origin: unknown.

Women's Health and Genetics/Laboratory Corporation of America, LabCorp
Classification: Benign. Last evaluated: 2020-02-22. Review status: criteria provided, single submitter. Criteria: LabCorp Variant Classification Summary - May 2015. Collection method: clinical testing. Allele origin: germline.

Illumina Laboratory Services, Illumina
Classification: Likely benign for Aortic aneurysm, familial thoracic 7. Last evaluated: 2018-01-12. Review status: criteria provided, single submitter. Criteria: ICSL Variant Classification Criteria 13 December 2019. Collection method: clinical testing. Allele origin: germline.
Comment: This variant was observed in the ICSL laboratory as part of a predisposition screen in an ostensibly healthy population. It had not been previously curated by ICSL or reported in the Human Gene Mutation Database (HGMD: prior to June 1st, 2018), and was therefore a candidate for classification through an automated scoring system. Utilizing variant allele frequency, disease prevalence and penetrance estimates, and inheritance mode, an automated score was calculated to assess if this variant is too frequent to cause the disease. Based on the score and internal cut-off values, a variant classified as likely benign is not then subjected to further curation. The score for this variant resulted in a classification of likely benign for this disease.

CHEO Genetics Diagnostic Laboratory, Children's Hospital of Eastern Ontario
Classification: Benign for Familial thoracic aortic aneurysm and aortic dissection. Last evaluated: 2017-02-09. Review status: criteria provided, single submitter. Criteria: ACMG Guidelines, 2015. Collection method: clinical testing. Allele origin: germline. Study: Canadian Open Genetics Repository.

GeneDx
Classification: Benign. Last evaluated: 2016-11-07. Review status: criteria provided, single submitter. Criteria: GeneDx Variant Classification (06012015). Collection method: clinical testing. Allele origin: germline. Affected: yes.
Comment: This variant is considered likely benign or benign based on one or more of the following criteria: it is a conservative change, it occurs at a poorly conserved position in the protein, it is predicted to be benign by multiple in silico algorithms, and/or has population frequency not consistent with disease.

Eurofins Ntd Llc (ga)
Classification: Benign. Last evaluated: 2015-04-02. Review status: criteria provided, single submitter. Criteria: EGL Classification Definitions 2015. Collection method: clinical testing. Allele origin: germline. Observed: 1 variant allele, 1 heterozygote.

Ambry Genetics
Classification: Likely benign for Familial thoracic aortic aneurysm and aortic dissection. Last evaluated: 2015-02-13. Review status: criteria provided, single submitter. Criteria: Ambry Variant Classification Scheme 2023. Collection method: clinical testing. Allele origin: germline.

Breakthrough Genomics
Classification: Likely benign. Review status: criteria provided, single submitter. Criteria: ACMG Guidelines, 2015. Collection method: not provided. Allele origin: germline. Inheritance: Autosomal recessive inheritance. Affected: yes.

PreventionGenetics, part of Exact Sciences
Classification: Benign. Review status: criteria provided, single submitter. Criteria: ACMG Guidelines, 2015. Collection method: clinical testing. Allele origin: germline.

Clinical Genetics DNA and cytogenetics Diagnostics Lab, Erasmus MC, Erasmus Medical Center
Classification: Likely benign. Review status: no assertion criteria provided. Collection method: clinical testing. Allele origin: germline. Affected: yes. Study: VKGL Data-share Consensus. Not counted in ClinVar's aggregate classification.

Genome Diagnostics Laboratory, Amsterdam University Medical Center
Classification: Benign. Review status: no assertion criteria provided. Collection method: clinical testing. Allele origin: germline. Affected: yes. Study: VKGL Data-share Consensus. Not counted in ClinVar's aggregate classification.

Genome Diagnostics Laboratory, University Medical Center Utrecht
Classification: Benign. Review status: no assertion criteria provided. Collection method: clinical testing. Allele origin: germline. Affected: yes. Study: VKGL Data-share Consensus. Not counted in ClinVar's aggregate classification.

Joint Genome Diagnostic Labs from Nijmegen and Maastricht, Radboudumc and MUMC+
Classification: Benign. Review status: no assertion criteria provided. Collection method: clinical testing. Allele origin: germline. Affected: yes. Study: VKGL Data-share Consensus. Not counted in ClinVar's aggregate classification.

Literature cited by the submitters: PubMed 26017485 (cited by Mayo Clinic Laboratories, Mayo Clinic).

NM_053025.4(MYLK):c.4764G>A (p.Pro1588=)

Gene: MYLK (myosin light chain kinase; minus strand). Cytogenetic location: 3q21.1.
Variant type: single nucleotide variant.
Coding change: c.4764G>A on transcript NM_053025.4 (MANE Select); coding-DNA position 4764, G replaced by A.
Protein change: p.Pro1588=; no amino-acid change (proline 1588 retained).
Molecular consequence: synonymous variant.
Genome position (GRCh38, 1-based): chr3:123,640,360, C>T on the plus strand (G>A on the coding strand, the complement: MYLK is on the minus strand). VCF-style: chr3-123640360-C-T. GRCh37 (hg19) VCF-style: chr3-123359207-C-T.
Other names: p.Pro1588=; c.4236G>A, p.Pro1412= (NM_001321309.2); c.4557G>A, p.Pro1519= (NM_053026.4, NM_053028.4); c.4764G>A, p.Pro1588= (NM_053027.4).
Identifiers: ClinVar variation 196142 (VCV000196142.73), dbSNP rs56056823, ClinGen allele CA024852.